The following is an entry in ClinVar:

ClinVar aggregate classification (germline): Benign (1 of 4 stars; one submission).

Submission:

Molecular Diagnostic Laboratory for Inherited Cardiovascular Disease, Montreal Heart Institute
Classification: Benign. Last evaluated: 2026-09-21. Review status: criteria provided, single submitter. Criteria: ACMG Guidelines, 2015. Collection method: clinical testing. Allele origin: germline. Affected: no.
Comment: BA1

NM_174936.4(PCSK9):c.996+38GGGCGGA[2]

Gene: PCSK9 (proprotein convertase subtilisin/kexin type 9; plus strand). Cytogenetic location: 1p32.3.
Variant type: Microsatellite.
Coding change: c.996+38GGGCGGA[2] on transcript NM_174936.4 (MANE Select); two copies in a row of the 7-base unit GGGCGGA starting at c.996+38.
Molecular consequence: intron variant.
Genome position: GRCh38 VCF-style: chr1-55056226-GGGGCGGA-G. GRCh37 (hg19) VCF-style: chr1-55521899-GGGGCGGA-G.
Other names: c.621+38GGGCGGA[2] (NM_001407246.1); c.1119+38GGGCGGA[2] (NM_001407240.1); c.999+38GGGCGGA[2] (NM_001407242.1); c.996+38GGGCGGA[2] (NM_001407241.1, NM_001407244.1, NM_001407247.1); c.939+38GGGCGGA[2] (NM_001407243.1); c.804+38GGGCGGA[2] (NM_001407245.1).
Identifiers: ClinVar variation 5037856 (VCV005037856.1), dbSNP rs201349983.